The following is an entry in ClinVar:

ClinVar aggregate classification (germline): Uncertain significance (1 of 4 stars; one submission).

Conditions:
Hereditary cancer-predisposing syndrome. Also called: Neoplastic Syndromes, Hereditary; Tumor predisposition; Hereditary Cancer Syndrome; Hereditary neoplastic syndrome. Identifiers: Orphanet 140162, MedGen C0027672, MeSH D009386, MONDO:0015356.

Submission:

Ambry Genetics
Classification: Uncertain significance for Hereditary cancer-predisposing syndrome. Last evaluated: 2025-05-20. Review status: criteria provided, single submitter. Criteria: Ambry Variant Classification Scheme 2023. Collection method: clinical testing. Allele origin: germline.
Comment: The c.4011_4022del12 variant (also known as p.W1339_R1342del) is located in coding exon 23 of the PTCH1 gene. This variant results from an in-frame CCGCTGGGGCCC deletion at nucleotide positions 4011 to 4022. This results in the in-frame deletion of four amino acids between codons 1339 and 1342. This amino acid region is not well conserved in available vertebrate species. In addition, the in silico prediction for this variant is inconclusive (Choi Y et al. PLoS ONE. 2012; 7(10):e46688). Since supporting evidence is limited at this time, the clinical significance of this alteration remains unclear.

NM_000264.5(PTCH1):c.4011_4022del (p.Trp1339_Arg1342del)

Gene: PTCH1 (patched 1; minus strand). Cytogenetic location: 9q22.32.
Variant type: Deletion.
Coding change: c.4011_4022del on transcript NM_000264.5 (MANE Select); coding-DNA positions 4011 to 4022, 12 bases deleted (CCGCTGGGGCCC).
Protein change: p.Trp1339_Arg1342del.
Molecular consequence: inframe deletion. On other transcripts: non-coding transcript variant (1), inframe indel (1).
Genome position (GRCh38, 1-based): chr9:95,447,234-95,447,245, GGGCCCCAGCGG deleted on the plus strand (CCGCTGGGGCCC on the coding strand, the reverse complement: PTCH1 is on the minus strand); deleting any 12 consecutive bases within chr9:95,447,234-95,447,246 gives the same sequence; the c. name uses the placement nearest the transcript's 3' end. VCF-style (leftmost placement, unchanged base first): chr9-95447233-AGGGCCCCAGCGG-A. GRCh37 (hg19) VCF-style: chr9-98209515-AGGGCCCCAGCGG-A.
Other names: c.3813_3824del, p.Trp1273_Arg1276del (NM_001083602.3); c.4008_4019del, p.Trp1338_Arg1341del (NM_001083603.3); c.3558_3569del, p.Trp1188_Arg1191del (NM_001083604.3, NM_001083605.3, NM_001083606.3 and 1 more transcripts); c.3855_3866del, p.Trp1287_Arg1290del (NM_001354918.2); c.4011_4022del12 (NM_000264.3).
Identifiers: ClinVar variation 1737019 (VCV001737019.3), dbSNP rs2537999598, ClinGen allele CA2580080726.